The following is an entry in ClinVar:

ClinVar aggregate classification (germline): Uncertain significance (1 of 4 stars; one submission).

Allele frequency attached by ClinVar (database versions not stated): gnomAD 0.00001.
gnomAD v4.1: 7 of 1,582,338 alleles (0.00044%); highest among the groups gnomAD compares: Non-Finnish European, 0.0006%; no homozygotes.

Submission:

Labcorp Genetics (formerly Invitae), Labcorp
Classification: Uncertain significance. Last evaluated: 2022-06-01. Review status: criteria provided, single submitter. Criteria: Invitae Variant Classification Sherloc (09022015). Collection method: clinical testing. Allele origin: germline.
Comment: This sequence change replaces valine, which is neutral and non-polar, with isoleucine, which is neutral and non-polar, at codon 2819 of the SPEG protein (p.Val2819Ile). This variant is not present in population databases (gnomAD no frequency). This variant has not been reported in the literature in individuals affected with SPEG-related conditions. Algorithms developed to predict the effect of missense changes on protein structure and function (SIFT, PolyPhen-2, Align-GVGD) all suggest that this variant is likely to be tolerated. In summary, the available evidence is currently insufficient to determine the role of this variant in disease. Therefore, it has been classified as a Variant of Uncertain Significance.

NM_005876.5(SPEG):c.8455G>A (p.Val2819Ile)

Genes: ASIC4-AS1 (ASIC4 antisense RNA 1; minus strand), SPEG (striated muscle enriched protein kinase; plus strand). Cytogenetic location: 2q35.
Variant type: single nucleotide variant.
Coding change: c.8455G>A on transcript NM_005876.5 (MANE Select); coding-DNA position 8455, G replaced by A.
Protein change: p.Val2819Ile; replaces valine 2819 with isoleucine.
Molecular consequence: missense variant.
Genome position (GRCh38, 1-based): chr2:219,489,473, G>A. VCF-style: chr2-219489473-G-A. GRCh37 (hg19) VCF-style: chr2-220354195-G-A.
Other names: short protein forms V2819I.
Identifiers: ClinVar variation 2192544 (VCV002192544.4), dbSNP rs754722384, ClinGen allele CA350709139.
Genomic context (GRCh38, chr2:219,489,473, plus strand): 5'-TCTCCTACCTCACTGGCCCCACCCCTAGCTCCTGCTGCCCCCACACCCCCGTCAGTCACT[G>A]TCAGCCCCTCATCTCCCCCCACACCTCCTAGCCAGGCCTTGTCCTCGCTCAAGGCTGTGG-3'
Protein context (NP_005867.3, residues 2809-2829): PAAPTPPSVT[Val2819Ile]SPSSPPTPPS